The following is an entry in ClinVar:

ClinVar aggregate classification (germline): Uncertain significance (1 of 4 stars; one submission).

Submission:

Ambry Genetics
Classification: Uncertain significance. Last evaluated: 2024-11-05. Review status: criteria provided, single submitter. Criteria: Ambry Variant Classification Scheme 2023. Collection method: clinical testing. Allele origin: germline.
Comment: The p.L378V variant (also known as c.1132C>G), located in coding exon 1 of the MLH3 gene, results from a C to G substitution at nucleotide position 1132. The leucine at codon 378 is replaced by valine, an amino acid with highly similar properties. This amino acid position is conserved. In addition, this alteration is predicted to be tolerated by in silico analysis. Based on the available evidence, the clinical significance of this variant remains unclear.

NM_001040108.2(MLH3):c.1132C>G (p.Leu378Val)

Gene: MLH3 (mutL homolog 3; minus strand). Cytogenetic location: 14q24.3.
Variant type: single nucleotide variant.
Coding change: c.1132C>G on transcript NM_001040108.2 (MANE Select); coding-DNA position 1132, C replaced by G.
Protein change: p.Leu378Val; replaces leucine 378 with valine.
Molecular consequence: missense variant.
Genome position (GRCh38, 1-based): chr14:75,048,524, G>C on the plus strand (C>G on the coding strand, the complement: MLH3 is on the minus strand). VCF-style: chr14-75048524-G-C. GRCh37 (hg19) VCF-style: chr14-75515227-G-C.
Other names: c.1132C>G, p.Leu378Val (NM_014381.3); short protein forms L378V.
Identifiers: ClinVar variation 3396762 (VCV003396762.1).